The following is an entry in ClinVar:

ClinVar aggregate classification (germline): Uncertain significance. Review status: criteria provided, multiple submitters, no conflicts (2 of 4 stars). 3 submissions from 3 submitters: Uncertain significance (3). Last evaluated 2026-04-23.

Conditions:
Neurofibromatosis, type 1 (NF1). Also called: VON RECKLINGHAUSEN DISEASE; NEUROFIBROMATOSIS, TYPE I, SOMATIC; Peripheral type neurofibromatosis; Neurofibromatosis, type I. Identifiers: Orphanet 636, MedGen C0027831, MONDO:0018975, OMIM 162200. Disease mechanism: loss of function.
Juvenile myelomonocytic leukemia (JMML). Also called: LEUKEMIA, JUVENILE MYELOMONOCYTIC, SOMATIC. Identifiers: Orphanet 86834, MedGen C0349639, MONDO:0011908, OMIM 607785, HP:0012209.
Cardiovascular phenotype. Identifiers: MedGen CN230736.
Hereditary cancer-predisposing syndrome. Also called: Neoplastic Syndromes, Hereditary; Tumor predisposition; Hereditary Cancer Syndrome; Hereditary neoplastic syndrome. Identifiers: Orphanet 140162, MedGen C0027672, MeSH D009386, MONDO:0015356.

Submissions (3):

Ambry Genetics
Classification: Uncertain significance for Cardiovascular phenotype; Hereditary cancer-predisposing syndrome. Last evaluated: 2026-04-23. Review status: criteria provided, single submitter. Criteria: Ambry Variant Classification Scheme 2023. Collection method: clinical testing. Allele origin: germline.
Comment: The p.H819Q variant (also known as c.2457T>A), located in coding exon 21 of the NF1 gene, results from a T to A substitution at nucleotide position 2457. The histidine at codon 819 is replaced by glutamine, an amino acid with highly similar properties. This amino acid position is highly conserved in available vertebrate species. In addition, this alteration is predicted to be tolerated by in silico analysis. Based on the available evidence, the clinical significance of this variant remains unclear.

Labcorp Genetics (formerly Invitae), Labcorp
Classification: Uncertain significance for Neurofibromatosis, type 1. Last evaluated: 2025-08-22. Review status: criteria provided, single submitter. Criteria: Invitae Variant Classification Sherloc (09022015). Collection method: clinical testing. Allele origin: germline.
Comment: This sequence change replaces histidine, which is basic and polar, with glutamine, which is neutral and polar, at codon 819 of the NF1 protein (p.His819Gln). This variant is not present in population databases (gnomAD no frequency). This variant has not been reported in the literature in individuals affected with NF1-related conditions. ClinVar contains an entry for this variant (Variation ID: 3239938). Invitae Evidence Modeling of protein sequence and biophysical properties (such as structural, functional, and spatial information, amino acid conservation, physicochemical variation, residue mobility, and thermodynamic stability) indicates that this missense variant is not expected to disrupt NF1 protein function with a negative predictive value of 95%. In summary, the available evidence is currently insufficient to determine the role of this variant in disease. Therefore, it has been classified as a Variant of Uncertain Significance.

Baylor Genetics
Classification: Uncertain significance for Juvenile myelomonocytic leukemia. Last evaluated: 2023-11-22. Review status: criteria provided, single submitter. Criteria: ACMG Guidelines, 2015. Collection method: clinical testing. Allele origin: unknown.

NM_001042492.3(NF1):c.2457T>A (p.His819Gln)

Gene: NF1 (neurofibromin 1; plus strand). Cytogenetic location: 17q11.2.
Variant type: single nucleotide variant.
Coding change: c.2457T>A on transcript NM_001042492.3 (MANE Select); coding-DNA position 2457, T replaced by A.
Protein change: p.His819Gln; replaces histidine 819 with glutamine.
Molecular consequence: missense variant.
Genome position (GRCh38, 1-based): chr17:31,229,072, T>A. VCF-style: chr17-31229072-T-A. GRCh37 (hg19) VCF-style: chr17-29556090-T-A.
Other names: c.2457T>A, p.His819Gln (NM_000267.4); short protein forms H819Q.
Identifiers: ClinVar variation 3239938 (VCV003239938.3), dbSNP rs976466916.
Genomic context (GRCh38, chr17:31,229,072, plus strand): 5'-ATTTTGTGTTTAGGCTGCTGAAAGCCTTCACAAGACCATTGTTAAGAGGCGAATGTCCCA[T>A]GTGAGTGGAGGAGGATCCATAGATTTGTCTGACACAGACTCCCTACAGGAATGGATCAAC-3'
Protein context (NP_001035957.1, residues 809-829): HKTIVKRRMS[His819Gln]VSGGGSIDLS